The following is an entry in ClinVar:

NM_004415.4(DSP):c.3388_3389insCTTCC (p.Asp1130fs)

Gene: DSP (desmoplakin; plus strand). Cytogenetic location: 6p24.3.
Variant type: Insertion.
Coding change: c.3388_3389insCTTCC on transcript NM_004415.4 (MANE Select); coding-DNA positions 3388 to 3389, CTTCC inserted.
Protein change: p.Asp1130fs; shifts the reading frame from aspartic acid 1130.
Molecular consequence: frameshift variant.
Genome position: GRCh38 VCF-style: chr6-7579578-G-GCTTCC. GRCh37 (hg19) VCF-style: chr6-7579811-G-GCTTCC.
Other names: c.3388_3389insCTTCC, p.Asp1130fs (NM_001008844.3, NM_001319034.2); short protein forms D1130fs.
Identifiers: ClinVar variation 1339288 (VCV001339288.1), dbSNP rs2113691650, ClinGen allele CA2573052738.

ClinVar aggregate classification (germline): Pathogenic (1 of 4 stars; one submission).

Submission:

Phosphorus, Inc.
Classification: Pathogenic. Last evaluated: 2022-01-18. Review status: criteria provided, single submitter. Criteria: ACMG Guidelines, 2015. Collection method: clinical testing. Allele origin: germline. Inheritance: Autosomal dominant inheritance.
Comment: This 5 bp insertion frameshift variant is located in exon 23 out of 24 exons of the DSP gene and results in a premature stop codon 31 amino acid residues downstream from codon 1130. This variant has not been reported in ClinVar and has not occurred in population databases. This position is conserved (GERP mean RS = 5.25). The variant has not occurred in the literature associated with the disease. Loss of function variants in this gene have been established as mechanism of disease. In conclusion, the available evidence is sufficient to classify this variant as Likely Pathogenic.